The following is an entry in ClinVar:

NM_005859.5(PURA):c.149C>T (p.Ala50Val)

Gene: PURA (purine rich element binding protein A; plus strand). Cytogenetic location: 5q31.3.
Variant type: single nucleotide variant.
Coding change: c.149C>T on transcript NM_005859.5 (MANE Select); coding-DNA position 149, C replaced by T.
Protein change: p.Ala50Val; replaces alanine 50 with valine.
Molecular consequence: missense variant.
Genome position (GRCh38, 1-based): chr5:140,114,330, C>T. VCF-style: chr5-140114330-C-T. GRCh37 (hg19) VCF-style: chr5-139493915-C-T.
Other names: short protein forms A50V.
Identifiers: ClinVar variation 3345264 (VCV003345264.2).

ClinVar aggregate classification (germline): Uncertain significance. Review status: criteria provided, single submitter (1 of 4 stars). 2 submissions from 2 submitters: Uncertain significance (1). 1 of the submissions does not count toward it. Last evaluated 2024-07-29.

Conditions:
PURA-related disorder. Also called: PURA-related condition.

Submissions (2):

GeneDx
Classification: Uncertain significance. Last evaluated: 2024-07-29. Review status: criteria provided, single submitter. Criteria: GeneDx Variant Classification Process June 2021. Collection method: clinical testing. Allele origin: germline. Affected: yes.
Comment: In silico analysis indicates that this missense variant does not alter protein structure/function; Has not been previously published as pathogenic or benign to our knowledge

PreventionGenetics, part of Exact Sciences
Classification: Uncertain significance for PURA-related condition. Last evaluated: 2024-05-16. Review status: no assertion criteria provided. Collection method: clinical testing. Allele origin: germline. Not counted in ClinVar's aggregate classification.
Comment: The PURA c.149C>T variant is predicted to result in the amino acid substitution p.Ala50Val. To our knowledge, this variant has not been reported in the literature. This variant is reported in 0.0016% of alleles in individuals of European (Non-Finnish) descent in gnomAD At this time, the clinical significance of this variant is uncertain due to the absence of conclusive functional and genetic evidence.